The following is an entry in ClinVar:

ClinVar aggregate classification (germline): Uncertain significance (1 of 4 stars; one submission).

Conditions:
Supravalvar aortic stenosis (SVAS). Also called: Supravalvar aortic stenosis, Eisenberg type. Identifiers: Orphanet 3193, MedGen C0003499, MONDO:0008504, OMIM 185500, HP:0004381.

gnomAD v4.1: 12 of 1,612,984 alleles (0.00074%); highest among the groups gnomAD compares: Non-Finnish European, 0.001%; no homozygotes.

Submission:

Labcorp Genetics (formerly Invitae), Labcorp
Classification: Uncertain significance for Supravalvar aortic stenosis. Last evaluated: 2025-04-19. Review status: criteria provided, single submitter. Criteria: Invitae Variant Classification Sherloc (09022015). Collection method: clinical testing. Allele origin: germline.
Comment: This sequence change replaces alanine, which is neutral and non-polar, with proline, which is neutral and non-polar, at codon 106 of the ELN protein (p.Ala106Pro). This variant is not present in population databases (gnomAD no frequency). This variant has not been reported in the literature in individuals affected with ELN-related conditions. Invitae Evidence Modeling of protein sequence and biophysical properties (such as structural, functional, and spatial information, amino acid conservation, physicochemical variation, residue mobility, and thermodynamic stability) indicates that this missense variant is not expected to disrupt ELN protein function with a negative predictive value of 80%. In summary, the available evidence is currently insufficient to determine the role of this variant in disease. Therefore, it has been classified as a Variant of Uncertain Significance.

NM_000501.4(ELN):c.316G>C (p.Ala106Pro)

Gene: ELN (elastin; plus strand). Cytogenetic location: 7q11.23.
Variant type: single nucleotide variant.
Coding change: c.316G>C on transcript NM_000501.4 (MANE Select); coding-DNA position 316, G replaced by C.
Protein change: p.Ala106Pro; replaces alanine 106 with proline.
Molecular consequence: missense variant.
Genome position (GRCh38, 1-based): chr7:74,042,697, G>C. VCF-style: chr7-74042697-G-C. GRCh37 (hg19) VCF-style: chr7-73457027-G-C.
Other names: c.286G>C, p.Ala96Pro (NM_001081752.3, NM_001278914.2, NM_001278917.2 and 1 more transcripts); c.316G>C, p.Ala106Pro (NM_001081753.3, NM_001081754.3, NM_001081755.3 and 4 more transcripts); c.280G>C, p.Ala94Pro (NM_001278913.2); short protein forms A94P, A96P, A106P.
Identifiers: ClinVar variation 4740985 (VCV004740985.1).